The following is an entry in ClinVar:

NM_005609.4(PYGM):c.1266C>G (p.Asp422Glu)

Gene: PYGM (glycogen phosphorylase, muscle associated; minus strand). Cytogenetic location: 11q13.1.
Variant type: single nucleotide variant.
Coding change: c.1266C>G on transcript NM_005609.4 (MANE Select); coding-DNA position 1266, C replaced by G.
Protein change: p.Asp422Glu; replaces aspartic acid 422 with glutamic acid.
Molecular consequence: missense variant.
Genome position (GRCh38, 1-based): chr11:64,753,656, G>C on the plus strand (C>G on the coding strand, the complement: PYGM is on the minus strand). VCF-style: chr11-64753656-G-C. GRCh37 (hg19) VCF-style: chr11-64521128-G-C.
Other names: c.1002C>G, p.Asp334Glu (NM_001164716.1); short protein forms D334E, D422E.
Identifiers: ClinVar variation 4873322 (VCV004873322.2).

ClinVar aggregate classification (germline): Uncertain significance (1 of 4 stars; one submission).

gnomAD v4.1: 10 of 1,608,666 alleles (0.00062%); highest among the groups gnomAD compares: South Asian, 0.0011%; no homozygotes.

Submission:

CeGaT Center for Human Genetics Tuebingen
Classification: Uncertain significance. Last evaluated: 2026-04-01. Review status: criteria provided, single submitter. Criteria: CeGaT Center For Human Genetics Tuebingen Variant Classification Criteria Version 2. Collection method: clinical testing. Allele origin: germline. Affected: yes. Observed: 1 variant allele.
Comment: PYGM: PM2